The following is an entry in ClinVar:

NM_138694.4(PKHD1):c.282-2A>T

Gene: PKHD1 (PKHD1 ciliary IPT domain containing fibrocystin/polyductin; minus strand). Cytogenetic location: 6p12.2.
Variant type: single nucleotide variant.
Coding change: c.282-2A>T on transcript NM_138694.4 (MANE Select); the canonical splice acceptor site of the intron before coding-DNA position 282, A replaced by T.
Molecular consequence: splice acceptor variant.
Genome position (GRCh38, 1-based): chr6:52,080,010, T>A on the plus strand (A>T on the coding strand, the complement: PKHD1 is on the minus strand). VCF-style: chr6-52080010-T-A. GRCh37 (hg19) VCF-style: chr6-51944808-T-A.
Other names: c.282-2A>T (NM_170724.3).
Identifiers: ClinVar variation 552609 (VCV000552609.50), dbSNP rs1554227278, ClinGen allele CA364439816.

ClinVar aggregate classification (germline): Pathogenic/Likely pathogenic. Review status: criteria provided, multiple submitters, no conflicts (2 of 4 stars). 6 submissions from 6 submitters: Pathogenic (1); Likely pathogenic (4). 1 of the submissions does not count toward it. Last evaluated 2026-01-08.

Conditions:
PKHD1-related disorder. Also called: PKHD1-related condition.
Polycystic kidney disease 4 (PKD4). Also called: POLYCYSTIC KIDNEY AND HEPATIC DISEASE 1; POLYCYSTIC KIDNEY DISEASE, INFANTILE, TYPE I; POLYCYSTIC KIDNEY DISEASE 4 WITH OR WITHOUT POLYCYSTIC LIVER DISEASE; Autosomal Recessive Polycystic Kidney Disease – PKHD1; PKD3. Identifiers: MedGen C4540575, MONDO:0033004, OMIM 263200.
Autosomal recessive polycystic kidney disease (ARPKD). Also called: AR polycystic kidney disease. Identifiers: Orphanet 731, Orphanet 8378, MedGen C0085548, MeSH D017044, MONDO:0009889.

Submissions (6):

Natera, Inc.
Classification: Pathogenic for Autosomal recessive polycystic kidney disease. Last evaluated: 2026-01-08. Review status: criteria provided, single submitter. Criteria: Natera Variant Classification Schema (03/2026). Collection method: clinical testing. Allele origin: germline.
Comment: The c.282-2A>T variant in PKHD1 is a canonical splice acceptor site variant predicted to affect pre-mRNA splicing, which may result in an abnormal transcript and altered protein product. This variant is expected to result in nonsense mediated decay, truncation, or a dysfunctional protein product. This variant is rare in the general population with a frequency below the threshold expected for the associated phenotype(s). Another variant at this same site results in an alteration predicted to cause a similar molecular effect has been observed in individual(s) with the associated phenotype. Given the available evidence, this variant is classified as Pathogenic.

PreventionGenetics, part of Exact Sciences
Classification: Likely pathogenic for PKHD1-related condition. Last evaluated: 2025-11-06. Review status: criteria provided, single submitter. Criteria: ACMG Guidelines, 2015. Collection method: clinical testing. Allele origin: germline.
Comment: The PKHD1 c.282-2A>T variant is predicted to disrupt the AG splice acceptor site and interfere with normal splicing. To our knowledge, this variant has not been reported in the literature or a large population database (gnomAD), indicating this variant is rare. Variants that disrupt the consensus splice acceptor site in PKHD1 are expected to be pathogenic. This variant is interpreted as likely pathogenic.

Baylor Genetics
Classification: Likely pathogenic for Polycystic kidney disease 4. Last evaluated: 2023-11-23. Review status: criteria provided, single submitter. Criteria: ACMG Guidelines, 2015. Collection method: clinical testing. Allele origin: unknown.

Labcorp Genetics (formerly Invitae), Labcorp
Classification: Likely pathogenic for Autosomal recessive polycystic kidney disease. Last evaluated: 2023-07-31. Review status: criteria provided, single submitter. Criteria: Invitae Variant Classification Sherloc (09022015). Collection method: clinical testing. Allele origin: germline.
Comment: In summary, the currently available evidence indicates that the variant is pathogenic, but additional data are needed to prove that conclusively. Therefore, this variant has been classified as Likely Pathogenic. This sequence change affects an acceptor splice site in intron 4 of the PKHD1 gene. It is expected to disrupt RNA splicing. Variants that disrupt the donor or acceptor splice site typically lead to a loss of protein function (PMID: 16199547), and loss-of-function variants in PKHD1 are known to be pathogenic (PMID: 19940839). This variant is not present in population databases (gnomAD no frequency). This variant has not been reported in the literature in individuals affected with PKHD1-related conditions. ClinVar contains an entry for this variant (Variation ID: 552609). Algorithms developed to predict the effect of sequence changes on RNA splicing suggest that this variant may disrupt the consensus splice site.

CeGaT Center for Human Genetics Tuebingen
Classification: Likely pathogenic. Last evaluated: 2016-07-01. Review status: criteria provided, single submitter. Criteria: CeGaT Center For Human Genetics Tuebingen Variant Classification Criteria Version 2. Collection method: clinical testing. Allele origin: germline. Affected: yes. Observed: 1 variant allele.

Counsyl
Classification: Likely pathogenic for Polycystic kidney disease 4. Last evaluated: 2017-06-22. Review status: no assertion criteria provided. Collection method: clinical testing. Allele origin: unknown. Not counted in ClinVar's aggregate classification.

Literature cited by the submitters: PubMed 16199547 (cited by Labcorp Genetics (formerly Invitae), Labcorp); PubMed 19940839 (cited by Labcorp Genetics (formerly Invitae), Labcorp).